The following is an entry in ClinVar:

ClinVar aggregate classification (germline): Uncertain significance (1 of 4 stars; one submission).

Conditions:
Hereditary cancer-predisposing syndrome. Also called: Neoplastic Syndromes, Hereditary; Tumor predisposition; Hereditary Cancer Syndrome; Hereditary neoplastic syndrome. Identifiers: Orphanet 140162, MedGen C0027672, MeSH D009386, MONDO:0015356.

Submission:

Ambry Genetics
Classification: Uncertain significance for Hereditary cancer-predisposing syndrome. Last evaluated: 2025-10-31. Review status: criteria provided, single submitter. Criteria: Ambry Variant Classification Scheme 2023. Collection method: clinical testing. Allele origin: germline.
Comment: The c.3154_3159delAGAAAT variant (also known as p.R1052_N1053del) is located in coding exon 26 of the EGFR gene. This variant results from an in-frame AGAAAT deletion at nucleotide positions 3154 to 3159. This results in the in-frame deletion of 2 amino acids at codons 1052 to 1053. This amino acid region is highly conserved in available vertebrate species. In addition, the in silico prediction for this variant is inconclusive (Choi Y et al. PLoS ONE. 2012; 7(10):e46688). Based on the available evidence, the clinical significance of this variant remains unclear.

NM_005228.5(EGFR):c.3154_3159del (p.Arg1052_Asn1053del)

Gene: EGFR (epidermal growth factor receptor; plus strand). Cytogenetic location: 7p11.2.
Variant type: Deletion.
Coding change: c.3154_3159del on transcript NM_005228.5 (MANE Select); coding-DNA positions 3154 to 3159, 6 bases deleted (AGAAAT; older notation c.3154_3159delAGAAAT).
Protein change: p.Arg1052_Asn1053del.
Molecular consequence: inframe deletion.
Genome position (GRCh38, 1-based): chr7:55,201,774-55,201,779, AGAAAT deleted; deleting any 6 consecutive bases within chr7:55,201,772-55,201,779 gives the same sequence; the c. name uses the placement nearest the transcript's 3' end. VCF-style (leftmost placement, unchanged base first): chr7-55201771-GATAGAA-G. GRCh37 (hg19) VCF-style: chr7-55269464-GATAGAA-G.
Other names: c.3019_3024del, p.Arg1007_Asn1008del (NM_001346897.2, NM_001346899.2); c.3154_3159del, p.Arg1052_Asn1053del (NM_001346898.2); c.2995_3000del, p.Arg999_Asn1000del (NM_001346900.2); c.2353_2358del, p.Arg785_Asn786del (NM_001346941.2).
Identifiers: ClinVar variation 4639301 (VCV004639301.1).